The following is an entry in ClinVar:

ClinVar aggregate classification (germline): Uncertain significance. Review status: criteria provided, multiple submitters, no conflicts (2 of 4 stars). 2 submissions from 2 submitters: Uncertain significance (2). Last evaluated 2025-04-30.

gnomAD v4.1: 5 of 1,613,206 alleles (0.00031%); highest among the groups gnomAD compares: Non-Finnish European, 0.00025%; no homozygotes.

Submissions (2):

Ambry Genetics
Classification: Uncertain significance. Last evaluated: 2025-04-30. Review status: criteria provided, single submitter. Criteria: Ambry Variant Classification Scheme 2023. Collection method: clinical testing. Allele origin: germline.
Comment: The p.E271D variant (also known as c.813G>C), located in coding exon 9 of the RASA2 gene, results from a G to C substitution at nucleotide position 813. The glutamic acid at codon 271 is replaced by aspartic acid, an amino acid with highly similar properties. This amino acid position is conserved. In addition, the in silico prediction for this alteration is inconclusive. Based on the available evidence, the clinical significance of this variant remains unclear.

Blueprint Genetics
Classification: Uncertain significance. Last evaluated: 2023-06-26. Review status: criteria provided, single submitter. Criteria: ACMG Guidelines, 2015. Collection method: clinical testing. Allele origin: germline.

NM_006506.5(RASA2):c.813G>C (p.Glu271Asp)

Gene: RASA2 (RAS p21 protein activator 2; plus strand). Cytogenetic location: 3q23.
Variant type: single nucleotide variant.
Coding change: c.813G>C on transcript NM_006506.5 (MANE Select); coding-DNA position 813, G replaced by C.
Protein change: p.Glu271Asp; replaces glutamic acid 271 with aspartic acid.
Molecular consequence: missense variant.
Genome position (GRCh38, 1-based): chr3:141,559,945, G>C. VCF-style: chr3-141559945-G-C. GRCh37 (hg19) VCF-style: chr3-141278787-G-C.
Other names: c.813G>C, p.Glu271Asp (NM_001303245.3, NM_001303246.3); short protein forms E271D.
Identifiers: ClinVar variation 3943002 (VCV003943002.2).